The following is an entry in ClinVar:

NM_000441.2(SLC26A4):c.215T>A (p.Leu72Ter)

Gene: SLC26A4 (solute carrier family 26 member 4; plus strand). Cytogenetic location: 7q22.3.
Variant type: single nucleotide variant.
Coding change: c.215T>A on transcript NM_000441.2 (MANE Select); coding-DNA position 215, T replaced by A.
Protein change: p.Leu72Ter; replaces leucine 72 with a stop codon.
Molecular consequence: nonsense.
Genome position (GRCh38, 1-based): chr7:107,663,346, T>A. VCF-style: chr7-107663346-T-A. GRCh37 (hg19) VCF-style: chr7-107303791-T-A.
Other names: short protein forms L72*.
Identifiers: ClinVar variation 3601763 (VCV003601763.1).

ClinVar aggregate classification (germline): Pathogenic (1 of 4 stars; one submission).

Conditions:
Autosomal recessive nonsyndromic hearing loss 4 (DFNB4). Also called: Deafness, autosomal recessive 4; FOXI1-Related Pendred Syndrome; KCNJ10-Related Pendred Syndrome; DEAFNESS, AUTOSOMAL RECESSIVE 4, WITH ENLARGED VESTIBULAR AQUEDUCT, DIGENIC; NEUROSENSORY NONSYNDROMIC RECESSIVE DEAFNESS 4; Nonsyndromic enlarged vestibular aqueduct (NSEVA). Identifiers: Orphanet 90636, MedGen C3538946, MONDO:0010933, OMIM 600791.

Submission:

Institute of Rare Diseases, West China Hospital, Sichuan University
Classification: Pathogenic for Autosomal recessive nonsyndromic hearing loss 4. Last evaluated: 2025-01-09. Review status: criteria provided, single submitter. Criteria: ClinGen HL ACMG Specifications v1. Collection method: research. Allele origin: germline. Affected: yes.
Comment: PVS1;PM3;PM2_Supporting